The following is an entry in ClinVar:

NM_201384.3(PLEC):c.9529G>A (p.Asp3177Asn)

Gene: PLEC (plectin; minus strand). Cytogenetic location: 8q24.3.
Variant type: single nucleotide variant.
Coding change: c.9529G>A on transcript NM_201384.3 (MANE Select); coding-DNA position 9529, G replaced by A.
Protein change: p.Asp3177Asn; replaces aspartic acid 3177 with asparagine.
Molecular consequence: missense variant.
Genome position (GRCh38, 1-based): chr8:143,920,292, C>T on the plus strand (G>A on the coding strand, the complement: PLEC is on the minus strand). VCF-style: chr8-143920292-C-T. GRCh37 (hg19) VCF-style: chr8-144994460-C-T.
Other names: c.9610G>A, p.Asp3204Asn (NM_000445.5); c.9487G>A, p.Asp3163Asn (NM_201378.4); c.9463G>A, p.Asp3155Asn (NM_201379.3); c.9940G>A, p.Asp3314Asn (NM_201380.4); c.9433G>A, p.Asp3145Asn (NM_201381.3); c.9529G>A, p.Asp3177Asn (NM_201382.4); c.9541G>A, p.Asp3181Asn (NM_201383.3); short protein forms D3177N, D3145N, D3155N, D3204N, D3163N, D3181N, D3314N.
Identifiers: ClinVar variation 285079 (VCV000285079.18), dbSNP rs151050583, ClinGen allele CA4924943.
Genomic context (GRCh38, chr8:143,920,292, plus strand): 5'-GCTGGAGCTCGCCGTAGGTGGCCGGCTCCCCTGTGCTGGGGTCACTGTAGGCCTTGGCGT[C>T]GGCCCTTGGTGCCGACAGGGCCCTGCTGGTCTCCTCATCCAGGCAGCCTCGGGCGCAGGC-3'
Protein context (NP_958786.1, residues 3167-3187): TSRALSAPRA[Asp3177Asn]AKAYSDPSTG

ClinVar aggregate classification (germline): Uncertain significance. Review status: criteria provided, multiple submitters, no conflicts (2 of 4 stars). 5 submissions from 5 submitters: Uncertain significance (5). Last evaluated 2026-07-16.

Conditions:
PLEC-related disorder. Also called: PLEC-related condition; PLEC-related disorders.
Epidermolysis bullosa simplex 5C, with pyloric atresia (EBS5C). Also called: PLEC-Related Epidermolysis Bullosa with Pyloric Atresia; Epidermolysis bullosa simplex with pyloric atresia; PLEC1-Related Epidermolysis Bullosa with Pyloric Atresia. Identifiers: Orphanet 158684, MedGen C2677349, MONDO:0012807, OMIM 612138.
Epidermolysis bullosa simplex with nail dystrophy (EBS5D). Identifiers: MedGen C4225309, MONDO:0014661, OMIM 616487.
Autosomal recessive limb-girdle muscular dystrophy type 2Q (LGMDR17). Also called: MUSCULAR DYSTROPHY, LIMB-GIRDLE, AUTOSOMAL RECESSIVE 17. Identifiers: Orphanet 254361, MedGen C3150989, MONDO:0013390, OMIM 613723.
Epidermolysis bullosa simplex, Ogna type (EBS5A). Also called: Pidermolysis bullosa simplex 5A, Ogna type; EPIDERMOLYSIS BULLOSA SIMPLEX 5A, OGNA TYPE. Identifiers: Orphanet 79401, MedGen C0432317, MONDO:0007555, OMIM 131950.
Epidermolysis bullosa simplex 5B, with muscular dystrophy (EBS5B). Also called: EPIDERMOLYSIS BULLOSA SIMPLEX AND LIMB-GIRDLE MUSCULAR DYSTROPHY; Epidermolysis bullosa simplex with muscular dystrophy. Identifiers: Orphanet 257, MedGen C2931072, MONDO:0009181, OMIM 226670.
Inborn genetic diseases. Identifiers: MedGen C0950123, MeSH D030342.

Allele frequency attached by ClinVar (database versions not stated): gnomAD exomes 0.00006; ESP Exome Variant Server 0.00008; ExAC 0.00010; gnomAD 0.00016; TOPMed 0.00024; 1000 Genomes Project 30x 0.00031; 1000 Genomes Project 0.00040.
gnomAD v4.1: 71 of 1,591,254 alleles (0.0045%); highest among the groups gnomAD compares: African/African-American, 0.048%; no homozygotes.

Submissions (5):

PreventionGenetics, part of Exact Sciences
Classification: Uncertain significance for PLEC-related condition. Last evaluated: 2026-07-16. Review status: criteria provided, single submitter. Criteria: ACMG Guidelines, 2015. Collection method: clinical testing. Allele origin: germline.
Comment: The PLEC c.9610G>A variant is predicted to result in the amino acid substitution p.Asp3204Asn. To our knowledge, this variant has not been reported in the literature. This variant is reported in 0.034% of alleles in individuals of African descent in gnomAD. At this time, the clinical significance of this variant is uncertain due to the absence of conclusive functional and genetic evidence.

Labcorp Genetics (formerly Invitae), Labcorp
Classification: Uncertain significance for Autosomal recessive limb-girdle muscular dystrophy type 2Q; Epidermolysis bullosa simplex, Ogna type; Epidermolysis bullosa simplex with nail dystrophy; Epidermolysis bullosa simplex 5C, with pyloric atresia; Epidermolysis bullosa simplex 5B, with muscular dystrophy. Last evaluated: 2026-01-27. Review status: criteria provided, single submitter. Criteria: Invitae Variant Classification Sherloc (09022015). Collection method: clinical testing. Allele origin: germline.
Comment: This sequence change replaces aspartic acid, which is acidic and polar, with asparagine, which is neutral and polar, at codon 3204 of the PLEC protein (p.Asp3204Asn). This variant is present in population databases (rs151050583, gnomAD 0.03%). This variant has not been reported in the literature in individuals affected with PLEC-related conditions. ClinVar contains an entry for this variant (Variation ID: 285079). An algorithm developed to predict the effect of missense changes on protein structure and function outputs the following: PolyPhen-2: "Benign". The asparagine amino acid residue is found in multiple mammalian species, which suggests that this missense change does not adversely affect protein function. In summary, the available evidence is currently insufficient to determine the role of this variant in disease. Therefore, it has been classified as a Variant of Uncertain Significance.

Ambry Genetics
Classification: Uncertain significance for Inborn genetic diseases. Last evaluated: 2023-11-15. Review status: criteria provided, single submitter. Criteria: Ambry Variant Classification Scheme 2023. Collection method: clinical testing. Allele origin: germline.

GeneDx
Classification: Uncertain significance. Last evaluated: 2017-06-09. Review status: criteria provided, single submitter. Criteria: GeneDx Variant Classification (06012015). Collection method: clinical testing. Allele origin: germline. Affected: yes.
Comment: The D3204N variant has not been published as a pathogenic variant, nor has it been reported as a benign variant to our knowledge. The D3204N variant is observed in 3/4788 (0.06%) alleles from individuals of African background (Lek et al., 2016; 1000 Genomes Consortium et al., 2015; Exome Variant Server). This variant is a semi-conservative amino acid substitution, which may impact secondary protein structure as these residues differ in some properties. However, this substitution occurs at a position that is not conserved. Additionally, most of the reported pathogenic variants in the PLEC gene are truncating/loss-of-function. In silico analysis is inconsistent in its predictions as to whether or not the variant is damaging to the protein structure/function.

Eurofins Ntd Llc (ga)
Classification: Uncertain significance. Last evaluated: 2016-07-21. Review status: criteria provided, single submitter. Criteria: EGL Classification Definitions 2015. Collection method: clinical testing. Allele origin: germline. Observed: 2 variant alleles, 2 heterozygotes.